The following is an entry in ClinVar:

ClinVar aggregate classification (germline): Uncertain significance. Review status: criteria provided, multiple submitters, no conflicts (2 of 4 stars). 2 submissions from 2 submitters: Uncertain significance (2). Last evaluated 2025-11-08.

Conditions:
Inborn genetic diseases. Identifiers: MedGen C0950123, MeSH D030342.
Dyskeratosis congenita, autosomal recessive 5 (DKCB5). Identifiers: MedGen C3554656, MONDO:0014076, OMIM 615190.
Pulmonary fibrosis and/or bone marrow failure, Telomere-related, 3. Also called: PULMONARY FIBROSIS AND/OR BONE MARROW FAILURE SYNDROME, TELOMERE-RELATED, 3. Identifiers: Orphanet 2032, MedGen C4225346, MONDO:0014613, OMIM 616373.

gnomAD v4.1: 5 of 1,611,226 alleles (0.00031%); highest among the groups gnomAD compares: Non-Finnish European, 0.00042%; no homozygotes.

Submissions (2):

Labcorp Genetics (formerly Invitae), Labcorp
Classification: Uncertain significance for Dyskeratosis congenita, autosomal recessive 5; Pulmonary fibrosis and/or bone marrow failure, Telomere-related, 3. Last evaluated: 2025-11-08. Review status: criteria provided, single submitter. Criteria: Invitae Variant Classification Sherloc (09022015). Collection method: clinical testing. Allele origin: germline.
Comment: This sequence change replaces arginine, which is basic and polar, with proline, which is neutral and non-polar, at codon 879 of the RTEL1 protein (p.Arg879Pro). This variant is present in population databases (rs770539835, gnomAD 0.002%). This variant has not been reported in the literature in individuals affected with RTEL1-related conditions. ClinVar contains an entry for this variant (Variation ID: 1040625). An algorithm developed to predict the effect of missense changes on protein structure and function (PolyPhen-2) suggests that this variant is likely to be disruptive. In summary, the available evidence is currently insufficient to determine the role of this variant in disease. Therefore, it has been classified as a Variant of Uncertain Significance.

Ambry Genetics
Classification: Uncertain significance for Inborn genetic diseases. Last evaluated: 2025-02-06. Review status: criteria provided, single submitter. Criteria: Ambry Variant Classification Scheme 2023. Collection method: clinical testing. Allele origin: germline.
Comment: The p.R879P variant (also known as c.2636G>C), located in coding exon 27 of the RTEL1 gene, results from a G to C substitution at nucleotide position 2636. The arginine at codon 879 is replaced by proline, an amino acid with dissimilar properties. This amino acid position is conserved. In addition, this alteration is predicted to be tolerated by in silico analysis. Based on the available evidence, the clinical significance of this variant remains unclear.

NM_001283009.2(RTEL1):c.2636G>C (p.Arg879Pro)

Genes: RTEL1 (regulator of telomere elongation helicase 1; plus strand), RTEL1-TNFRSF6B (RTEL1-TNFRSF6B readthrough (NMD candidate); plus strand). Cytogenetic location: 20q13.33.
Variant type: single nucleotide variant.
Coding change: c.2636G>C on transcript NM_001283009.2 (MANE Select); coding-DNA position 2636, G replaced by C.
Protein change: p.Arg879Pro; replaces arginine 879 with proline.
Molecular consequence: missense variant. On other transcripts: non-coding transcript variant (1).
Genome position (GRCh38, 1-based): chr20:63,691,821, G>C. VCF-style: chr20-63691821-G-C. GRCh37 (hg19) VCF-style: chr20-62323174-G-C.
Other names: c.1967G>C, p.Arg656Pro (NM_001283010.1); c.2636G>C, p.Arg879Pro (NM_016434.4); c.2708G>C, p.Arg903Pro (NM_032957.5); short protein forms R656P, R903P, R879P.
Identifiers: ClinVar variation 1040625 (VCV001040625.4), dbSNP rs770539835, ClinGen allele CA9965441.